The following is an entry in ClinVar:

ClinVar aggregate classification (germline): Uncertain significance (1 of 4 stars; one submission).

Allele frequency attached by ClinVar (database versions not stated): gnomAD exomes below 0.00001; TOPMed below 0.00001.

Submission:

Labcorp Genetics (formerly Invitae), Labcorp
Classification: Uncertain significance. Last evaluated: 2022-12-06. Review status: criteria provided, single submitter. Criteria: Invitae Variant Classification Sherloc (09022015). Collection method: clinical testing. Allele origin: germline.
Comment: In summary, the available evidence is currently insufficient to determine the role of this variant in disease. Therefore, it has been classified as a Variant of Uncertain Significance. This variant has not been reported in the literature in individuals affected with TNFRSF6B-related conditions. The frequency data for this variant in the population databases is considered unreliable, as metrics indicate poor data quality at this position in the gnomAD database. This sequence change creates a premature translational stop signal (p.Cys150*) in the TNFRSF6B gene. It is expected to result in an absent or disrupted protein product. However, the current clinical and genetic evidence is not sufficient to establish whether loss-of-function variants in TNFRSF6B cause disease.

NM_003823.4(TNFRSF6B):c.450C>A (p.Cys150Ter)

Genes: RTEL1-TNFRSF6B (RTEL1-TNFRSF6B readthrough (NMD candidate); plus strand), TNFRSF6B (TNF receptor superfamily member 6b; plus strand). Cytogenetic location: 20q13.33.
Variant type: single nucleotide variant.
Coding change: c.450C>A on transcript NM_003823.4 (MANE Select); coding-DNA position 450, C replaced by A.
Protein change: p.Cys150Ter; replaces cysteine 150 with a stop codon.
Molecular consequence: nonsense. On other transcripts: non-coding transcript variant (1).
Genome position (GRCh38, 1-based): chr20:63,697,353, C>A. VCF-style: chr20-63697353-C-A. GRCh37 (hg19) VCF-style: chr20-62328706-C-A.
Other names: short protein forms C150*.
Identifiers: ClinVar variation 1975996 (VCV001975996.5), dbSNP rs1482909234, ClinGen allele CA409711480.
Genomic context (GRCh38, chr20:63,697,353, plus strand): 5'-GTTCCCCTGACCCTGTTCTTCCCTCCTGGCTGCAGGCACCCCCAGCCAGAACACGCAGTG[C>A]CAGCCGTGCCCCCCAGGCACCTTCTCAGCCAGCAGCTCCAGCTCAGAGCAGTGCCAGCCC-3'